The following is an entry in ClinVar:

ClinVar aggregate classification (germline): Conflicting classifications of pathogenicity. Review status: criteria provided, conflicting classifications (1 of 4 stars). 2 submissions from 2 submitters: Uncertain significance (1); Likely benign (1). Last evaluated 2024-08-12.

Conditions:
Osteogenesis imperfecta type I (OI1). Also called: Lobstein's Disease; Classic Non-deforming Osteogenesis Imperfecta with Blue Sclerae; Lobstein disease; OI, TYPE I; OSTEOGENESIS IMPERFECTA TARDA; OSTEOGENESIS IMPERFECTA WITH BLUE SCLERAE. Identifiers: Orphanet 216796, Orphanet 666, MedGen C0023931, MONDO:0008146, OMIM 166200. Disease mechanism: loss of function.
Ehlers-Danlos syndrome, classic type, 1 (EDSCL1). Also called: Ehlers-Danlos syndrome, type 1; Ehlers-Danlos Syndrome, Classic Type, COL5A1-Related; EDS I; EHLERS-DANLOS SYNDROME, GRAVIS TYPE; EHLERS-DANLOS SYNDROME, SEVERE CLASSIC TYPE. Identifiers: MedGen C0268335, MONDO:0019567, OMIM 130000.
Cardiovascular phenotype. Identifiers: MedGen CN230736.
Ehlers-Danlos syndrome, cardiac valvular type. Identifiers: Orphanet 230851, MedGen C4303789, MONDO:0009159, OMIM 225320.
Ehlers-Danlos syndrome, arthrochalasia type. Also called: Ehlers-Danlos syndrome, arthrochalasia type, 1; ARTHROCHALASIS MULTIPLEX CONGENITA; EDS VII, MUTANT PROCOLLAGEN TYPE; EDS VIIA; Ehlers-Danlos syndrome, arthrochalasis type. Identifiers: Orphanet 1899, Orphanet 99875, Orphanet 99876, MedGen C4551623, MONDO:0007525, OMIM 130060.

Allele frequency attached by ClinVar (database versions not stated): ExAC 0.00002; gnomAD exomes 0.00001.
gnomAD v4.1: 8 of 1,605,042 alleles (0.0005%); highest among the groups gnomAD compares: East Asian, 0.016%; no homozygotes.

Submissions (2):

Ambry Genetics
Classification: Likely benign for Cardiovascular phenotype. Last evaluated: 2024-08-12. Review status: criteria provided, single submitter. Criteria: Ambry Variant Classification Scheme 2023. Collection method: clinical testing. Allele origin: germline.

Labcorp Genetics (formerly Invitae), Labcorp
Classification: Uncertain significance for Osteogenesis imperfecta type I; Ehlers-Danlos syndrome, classic type, 1. Last evaluated: 2019-03-26. Review status: criteria provided, single submitter. Criteria: Invitae Variant Classification Sherloc (09022015). Collection method: clinical testing. Allele origin: germline.
Comment: In summary, the available evidence is currently insufficient to determine the role of this variant in disease. Therefore, it has been classified as a Variant of Uncertain Significance. Algorithms developed to predict the effect of missense changes on protein structure and function output the following: SIFT: "Tolerated"; PolyPhen-2: "Not Available"; Align-GVGD: "Class C0". The glycine amino acid residue is found in multiple mammalian species, suggesting that this missense change does not adversely affect protein function. These predictions have not been confirmed by published functional studies and their clinical significance is uncertain. This variant has not been reported in the literature in individuals with COL1A2-related conditions. This variant is present in population databases (rs766541995, ExAC 0.01%). This sequence change replaces serine with glycine at codon 639 of the COL1A2 protein (p.Ser639Gly). The serine residue is weakly conserved and there is a small physicochemical difference between serine and glycine.

NM_000089.4(COL1A2):c.1915A>G (p.Ser639Gly)

Gene: COL1A2 (collagen type I alpha 2 chain; plus strand). Cytogenetic location: 7q21.3.
Variant type: single nucleotide variant.
Coding change: c.1915A>G on transcript NM_000089.4 (MANE Select); coding-DNA position 1915, A replaced by G.
Protein change: p.Ser639Gly; replaces serine 639 with glycine.
Molecular consequence: missense variant.
Genome position (GRCh38, 1-based): chr7:94,417,775, A>G. VCF-style: chr7-94417775-A-G. GRCh37 (hg19) VCF-style: chr7-94047087-A-G.
Other names: short protein forms S639G.
Identifiers: ClinVar variation 854060 (VCV000854060.13), dbSNP rs766541995, ClinGen allele CA4347230.